The following is an entry in ClinVar:

ClinVar aggregate classification (germline): Likely benign (1 of 4 stars; one submission).

gnomAD v4.1: 73 of 1,611,414 alleles (0.0045%); highest among the groups gnomAD compares: East Asian, 0.0089%; 1 homozygote.

Submission:

CeGaT Center for Human Genetics Tuebingen
Classification: Likely benign. Last evaluated: 2025-06-01. Review status: criteria provided, single submitter. Criteria: CeGaT Center For Human Genetics Tuebingen Variant Classification Criteria Version 2. Collection method: clinical testing. Allele origin: germline. Affected: yes. Observed: 1 variant allele.
Comment: CAPN15: BP4, BP7

NM_005632.3(CAPN15):c.51G>A (p.Pro17=)

Gene: CAPN15 (calpain 15; plus strand). Cytogenetic location: 16p13.3.
Variant type: single nucleotide variant.
Coding change: c.51G>A on transcript NM_005632.3 (MANE Select); coding-DNA position 51, G replaced by A.
Protein change: p.Pro17=; no amino-acid change (proline 17 retained).
Molecular consequence: synonymous variant.
Genome position (GRCh38, 1-based): chr16:546,889, G>A. VCF-style: chr16-546889-G-A. GRCh37 (hg19) VCF-style: chr16-596889-G-A.
Identifiers: ClinVar variation 4084149 (VCV004084149.8).